The following is an entry in ClinVar:

ClinVar aggregate classification (germline): Uncertain significance (1 of 4 stars; one submission).

Submission:

CeGaT Center for Human Genetics Tuebingen
Classification: Uncertain significance. Last evaluated: 2024-06-01. Review status: criteria provided, single submitter. Criteria: CeGaT Center For Human Genetics Tuebingen Variant Classification Criteria Version 2. Collection method: clinical testing. Allele origin: germline. Affected: yes. Observed: 1 variant allele.
Comment: FAM50A: PM2, PP2

NM_004699.4(FAM50A):c.508C>G (p.Arg170Gly)

Gene: FAM50A (family with sequence similarity 50 member A; plus strand). Cytogenetic location: Xq28.
Variant type: single nucleotide variant.
Coding change: c.508C>G on transcript NM_004699.4 (MANE Select); coding-DNA position 508, C replaced by G.
Protein change: p.Arg170Gly; replaces arginine 170 with glycine.
Molecular consequence: missense variant.
Genome position (GRCh38, 1-based): chrX:154,448,549, C>G. VCF-style: chrX-154448549-C-G. GRCh37 (hg19) VCF-style: chrX-153676897-C-G.
Other names: short protein forms R170G.
Identifiers: ClinVar variation 3251107 (VCV003251107.18), dbSNP rs782407720.